The following is an entry in ClinVar:

NM_032043.3(BRIP1):c.2272G>T (p.Val758Leu)

Gene: BRIP1 (BRCA1 interacting DNA helicase 1; minus strand). Cytogenetic location: 17q23.2.
Variant type: single nucleotide variant.
Coding change: c.2272G>T on transcript NM_032043.3 (MANE Select); coding-DNA position 2272, G replaced by T.
Protein change: p.Val758Leu; replaces valine 758 with leucine.
Molecular consequence: missense variant.
Genome position (GRCh38, 1-based): chr17:61,743,120, C>A on the plus strand (G>T on the coding strand, the complement: BRIP1 is on the minus strand). VCF-style: chr17-61743120-C-A. GRCh37 (hg19) VCF-style: chr17-59820481-C-A.
Other names: c.2272G>T (NM_032043.2); short protein forms V758L.
Identifiers: ClinVar variation 1383332 (VCV001383332.11), dbSNP rs1192826909, ClinGen allele CA400482739.

ClinVar aggregate classification (germline): Uncertain significance. Review status: criteria provided, multiple submitters, no conflicts (2 of 4 stars). 2 submissions from 2 submitters: Uncertain significance (2). Last evaluated 2025-10-28.

Conditions:
Hereditary cancer-predisposing syndrome. Also called: Tumor predisposition; Hereditary neoplastic syndrome; Neoplastic Syndromes, Hereditary; Hereditary Cancer Syndrome. Identifiers: Orphanet 140162, MedGen C0027672, MeSH D009386, MONDO:0015356.
Familial cancer of breast. Also called: BREAST CANCER, FAMILIAL; Hereditary breast cancer; hereditary breast carcinoma. Identifiers: Orphanet 227535, MedGen C0346153, MONDO:0016419, OMIM 114480. Disease mechanism: loss of function.
Fanconi anemia complementation group J. Also called: BRIP1-Related Fanconi Anemia. Identifiers: Orphanet 84, MedGen C1836860, MONDO:0012187, OMIM 609054.

gnomAD v4.1: 1 of 1,613,794 alleles (0.000062%); highest among the groups gnomAD compares: African/African-American, 0.0013%; no homozygotes.

Submissions (2):

Ambry Genetics
Classification: Uncertain significance for Hereditary cancer-predisposing syndrome. Last evaluated: 2025-10-28. Review status: criteria provided, single submitter. Criteria: Ambry Variant Classification Scheme 2023. Collection method: clinical testing. Allele origin: germline.
Comment: The p.V758L variant (also known as c.2272G>T), located in coding exon 15 of the BRIP1 gene, results from a G to T substitution at nucleotide position 2272. The valine at codon 758 is replaced by leucine, an amino acid with highly similar properties. This amino acid position is conserved. In addition, the in silico prediction for this alteration is inconclusive. Since supporting evidence is limited at this time, the clinical significance of this alteration remains unclear.

Labcorp Genetics (formerly Invitae), Labcorp
Classification: Uncertain significance for Familial cancer of breast; Fanconi anemia complementation group J. Last evaluated: 2022-09-25. Review status: criteria provided, single submitter. Criteria: Invitae Variant Classification Sherloc (09022015). Collection method: clinical testing. Allele origin: germline.
Comment: This sequence change replaces valine, which is neutral and non-polar, with leucine, which is neutral and non-polar, at codon 758 of the BRIP1 protein (p.Val758Leu). This variant is not present in population databases (gnomAD no frequency). This variant has not been reported in the literature in individuals affected with BRIP1-related conditions. ClinVar contains an entry for this variant (Variation ID: 1383332). Advanced modeling of protein sequence and biophysical properties (such as structural, functional, and spatial information, amino acid conservation, physicochemical variation, residue mobility, and thermodynamic stability) performed at Invitae indicates that this missense variant is not expected to disrupt BRIP1 protein function. In summary, the available evidence is currently insufficient to determine the role of this variant in disease. Therefore, it has been classified as a Variant of Uncertain Significance.